The following is an entry in ClinVar:

ClinVar aggregate classification (germline): Uncertain significance (1 of 4 stars; one submission).

Conditions:
RPL26-related disorder. Also called: RPL26-related condition.

gnomAD v4.1: 1 of 1,613,938 alleles (0.000062%); highest among the groups gnomAD compares: South Asian, 0.0011%; no homozygotes.

Submission:

PreventionGenetics, part of Exact Sciences
Classification: Uncertain significance for RPL26-related condition. Last evaluated: 2026-07-02. Review status: criteria provided, single submitter. Criteria: ACMG Guidelines, 2015. Collection method: clinical testing. Allele origin: germline.
Comment: The RPL26 c.33A>T variant is not predicted to result in an amino acid change (p.=). This variant is predicted to impact splicing based on available splicing prediction programs (SpliceAI, Jaganathan et al. 2019. PubMed ID: 30661751). To our knowledge, this variant has not been reported in the literature. This variant is reported in 0.0033% of alleles in individuals of South Asian descent in gnomAD. At this time, the clinical significance of this variant is uncertain due to the absence of conclusive functional and genetic evidence.

NM_000987.5(RPL26):c.33A>T (p.Arg11=)

Gene: RPL26 (ribosomal protein L26; minus strand). Cytogenetic location: 17p13.1.
Variant type: single nucleotide variant.
Coding change: c.33A>T on transcript NM_000987.5 (MANE Select); coding-DNA position 33, A replaced by T.
Protein change: p.Arg11=; no amino-acid change (arginine 11 retained).
Molecular consequence: synonymous variant.
Genome position (GRCh38, 1-based): chr17:8,382,278, T>A on the plus strand (A>T on the coding strand, the complement: RPL26 is on the minus strand). VCF-style: chr17-8382278-T-A. GRCh37 (hg19) VCF-style: chr17-8285596-T-A.
Other names: c.33A>T, p.Arg11= (NM_001315530.2, NM_001315531.2).
Identifiers: ClinVar variation 4993368 (VCV004993368.1).
Genomic context (GRCh38, chr17:8,382,278, plus strand): 5'-AGACATAATCTTCCTTCGAATGTGGGAAGGTGCATTGAAATGCCTTTTGCGATTCTTGCT[T>A]CGGTCGGAAGTCACAAAGGGATTAAACTTCATTTTGGCTAAATAAAAAGTTAAAAAGACT-3'
Protein context (NP_000978.1, residues 1-21): MKFNPFVTSD[Arg11=]SKNRKRHFNA